The following is an entry in ClinVar:

NM_001103.4(ACTN2):c.1974+10C>T

Gene: ACTN2 (actinin alpha 2; plus strand). Cytogenetic location: 1q43.
Variant type: single nucleotide variant.
Coding change: c.1974+10C>T on transcript NM_001103.4 (MANE Select); 10 bases into the intron after coding-DNA position 1974, C replaced by T.
Molecular consequence: intron variant.
Genome position (GRCh38, 1-based): chr1:236,754,091, C>T. VCF-style: chr1-236754091-C-T. GRCh37 (hg19) VCF-style: chr1-236917391-C-T.
Other names: c.1350+10C>T (NM_001278344.2); c.1974+10C>T (NM_001278343.2).
Identifiers: ClinVar variation 377438 (VCV000377438.20), dbSNP rs368354944, ClinGen allele CA1473294.

ClinVar aggregate classification (germline): Benign/Likely benign. Review status: criteria provided, multiple submitters, no conflicts (2 of 4 stars). 9 submissions from 9 submitters: Benign (2); Likely benign (4). 3 of the submissions do not count toward it. Last evaluated 2025-12-02.

Conditions:
ACTN2-related disorder. Also called: ACTN2 related condition; ACTN2-related disorders.
Dilated cardiomyopathy 1AA (CMD1AA). Also called: Cardiomyopathy, dilated, 1AA, with or without LVNC; CARDIOMYOPATHY, DILATED, 1AA, WITH OR WITHOUT LEFT VENTRICULAR NONCOMPACTION; CARDIOMYOPATHY, FAMILIAL HYPERTROPHIC, 23, WITH OR WITHOUT LEFT VENTRICULAR NONCOMPACTION. Identifiers: Orphanet 154, MedGen C2677338, MONDO:0012808, OMIM 612158.
Primary familial hypertrophic cardiomyopathy (HCM). Identifiers: Orphanet 99739, MedGen C0949658, MeSH D024741, MONDO:0024573. Inheritance: Various modes of inheritance.

Allele frequency attached by ClinVar (database versions not stated): gnomAD exomes 0.00007 and 0.00008; ExAC 0.00010; gnomAD 0.00011 and 0.00012; TOPMed 0.00011; ESP Exome Variant Server 0.00023.
gnomAD v4.1: 115 of 1,613,416 alleles (0.0071%); highest among the groups gnomAD compares: Admixed American, 0.0083%; no homozygotes.

Submissions (9):

Labcorp Genetics (formerly Invitae), Labcorp
Classification: Likely benign for Primary familial hypertrophic cardiomyopathy; Dilated cardiomyopathy 1AA. Last evaluated: 2025-12-02. Review status: criteria provided, single submitter. Criteria: Invitae Variant Classification Sherloc (09022015). Collection method: clinical testing. Allele origin: germline.

Molecular Diagnostic Laboratory for Inherited Cardiovascular Disease, Montreal Heart Institute
Classification: Likely benign. Last evaluated: 2025-04-09. Review status: criteria provided, single submitter. Criteria: ACMG Guidelines, 2015. Collection method: clinical testing. Allele origin: germline. Affected: no.

Blueprint Genetics
Classification: Likely benign. Last evaluated: 2024-11-21. Review status: criteria provided, single submitter. Criteria: ACMG Guidelines, 2015. Collection method: clinical testing. Allele origin: germline.

Women's Health and Genetics/Laboratory Corporation of America, LabCorp
Classification: Benign. Last evaluated: 2023-05-22. Review status: criteria provided, single submitter. Criteria: LabCorp Variant Classification Summary - May 2015. Collection method: clinical testing. Allele origin: germline.

GeneDx
Classification: Benign. Last evaluated: 2015-10-28. Review status: criteria provided, single submitter. Criteria: GeneDx Variant Classification (06012015). Collection method: clinical testing. Allele origin: germline. Affected: yes.
Comment: This variant is considered likely benign or benign based on one or more of the following criteria: it is a conservative change, it occurs at a poorly conserved position in the protein, it is predicted to be benign by multiple in silico algorithms, and/or has population frequency not consistent with disease.

Breakthrough Genomics
Classification: Likely benign. Review status: criteria provided, single submitter. Criteria: ACMG Guidelines, 2015. Collection method: not provided. Allele origin: germline. Inheritance: Autosomal dominant inheritance. Affected: yes.

PreventionGenetics, part of Exact Sciences
Classification: Likely benign for ACTN2-related condition. Last evaluated: 2020-09-29. Review status: no assertion criteria provided. Collection method: clinical testing. Allele origin: germline. Not counted in ClinVar's aggregate classification.
Comment: This variant is classified as likely benign based on ACMG/AMP sequence variant interpretation guidelines (Richards et al. 2015 PMID: 25741868, with internal and published modifications).

Clinical Genetics DNA and cytogenetics Diagnostics Lab, Erasmus MC, Erasmus Medical Center
Classification: Likely benign. Review status: no assertion criteria provided. Collection method: clinical testing. Allele origin: germline. Affected: yes. Study: VKGL Data-share Consensus. Not counted in ClinVar's aggregate classification.

Genome Diagnostics Laboratory, University Medical Center Utrecht
Classification: Likely benign. Review status: no assertion criteria provided. Collection method: clinical testing. Allele origin: germline. Affected: yes. Study: VKGL Data-share Consensus. Not counted in ClinVar's aggregate classification.